The following is an entry in ClinVar:

ClinVar aggregate classification (germline): Uncertain significance (1 of 4 stars; one submission).

Conditions:
Early-infantile DEE. Also called: Early infantile epileptic encephalopathy; Ohtahara syndrome; Early infantile epileptic encephalopathy with suppression bursts. Identifiers: Orphanet 1934, MedGen C0393706, MONDO:0800491.

Submission:

Labcorp Genetics (formerly Invitae), Labcorp
Classification: Uncertain significance for Early-infantile DEE. Last evaluated: 2024-05-15. Review status: criteria provided, single submitter. Criteria: Invitae Variant Classification Sherloc (09022015). Collection method: clinical testing. Allele origin: germline.
Comment: This sequence change falls in intron 20 of the SCN1A gene. It does not directly change the encoded amino acid sequence of the SCN1A protein. However, this sequence change falls within a region encompassing a cryptic exon in the SCN1A gene, in which variants have been shown to alter splicing (PMID: 30526861, 34107977). This variant is not present in population databases (gnomAD no frequency). This variant has not been reported in the literature in individuals affected with SCN1A-related conditions. ClinVar contains an entry for this variant (Variation ID: 2120596). Algorithms developed to predict the effect of sequence changes on RNA splicing suggest that this variant is not likely to affect RNA splicing. In summary, the available evidence is currently insufficient to determine the role of this variant in disease. Therefore, it has been classified as a Variant of Uncertain Significance.

Literature cited by the submitters: PubMed 30526861; PubMed 34107977.

NM_001165963.4(SCN1A):c.4002+1960A>G

Genes: SCN1A (sodium voltage-gated channel alpha subunit 1; minus strand), LOC102724058 (uncharacterized LOC102724058; plus strand). Cytogenetic location: 2q24.3.
Variant type: single nucleotide variant.
Coding change: c.4002+1960A>G on transcript NM_001165963.4 (MANE Select); 1960 bases into the intron after coding-DNA position 4002, A replaced by G.
Molecular consequence: intron variant.
Genome position (GRCh38, 1-based): chr2:166,007,759, T>C on the plus strand (A>G on the coding strand, the complement: SCN1A is on the minus strand). VCF-style: chr2-166007759-T-C. GRCh37 (hg19) VCF-style: chr2-166864269-T-C.
Other names: c.3969+1960A>G (NM_001353949.2, NM_001353950.2, NM_001353951.2 and 2 more transcripts); c.3918+1960A>G (NM_001353958.2, NM_001353957.2, NM_001165964.3); c.4002+1960A>G (NM_001202435.3, NM_001353948.2); c.3966+1960A>G (NM_001353955.2, NM_001353954.2); c.3915+1960A>G (NM_001353960.2); c.1560+1960A>G (NM_001353961.2).
Identifiers: ClinVar variation 2120596 (VCV002120596.4), dbSNP rs2468475603, ClinGen allele CA2580064292.
Genomic context (GRCh38, chr2:166,007,759, plus strand): 5'-TGTTGCATAAAAGCACATGCTTTGAAAAAATAACAGAACAACAAAAATAAAATGAGTGCC[T>C]GAGTTACGCTTTGACGCAGCTATTGTGATTTTATGCTGCTAGGGCAAAGAATTAAATGAG-3'